The following is an entry in ClinVar:

NM_001267550.2(TTN):c.46285G>T (p.Glu15429Ter)

Gene: TTN (titin; minus strand). Cytogenetic location: 2q31.2.
Variant type: single nucleotide variant.
Coding change: c.46285G>T on transcript NM_001267550.2 (MANE Select); coding-DNA position 46285, G replaced by T.
Protein change: p.Glu15429Ter; replaces glutamic acid 15429 with a stop codon.
Molecular consequence: nonsense.
Genome position (GRCh38, 1-based): chr2:178,620,236, C>A on the plus strand (G>T on the coding strand, the complement: TTN is on the minus strand). VCF-style: chr2-178620236-C-A. GRCh37 (hg19) VCF-style: chr2-179484963-C-A.
Other names: c.41362G>T, p.Glu13788Ter (NM_001256850.1); c.19090G>T, p.Glu6364Ter (NM_003319.4); c.38581G>T, p.Glu12861Ter (NM_133378.4); c.19465G>T, p.Glu6489Ter (NM_133432.3); c.19666G>T, p.Glu6556Ter (NM_133437.4); short protein forms E12861*, E13788*, E15429*, E6364*, E6489*, E6556*.
Identifiers: ClinVar variation 655302 (VCV000655302.9), dbSNP rs1576543528, ClinGen allele CA349627970.

ClinVar aggregate classification (germline): Likely pathogenic (1 of 4 stars; one submission).

Conditions:
Dilated cardiomyopathy 1G (CMD1G). Identifiers: Orphanet 154, MedGen C1858763, MONDO:0011400, OMIM 604145.
Autosomal recessive limb-girdle muscular dystrophy type 2J (LGMDR10). Also called: Limb-girdle muscular dystrophy, type 2J; MUSCULAR DYSTROPHY, LIMB-GIRDLE, AUTOSOMAL RECESSIVE 10. Identifiers: Orphanet 140922, MedGen C1837342, MONDO:0012127, OMIM 608807.

Submission:

Labcorp Genetics (formerly Invitae), Labcorp
Classification: Likely pathogenic for Dilated cardiomyopathy 1G; Autosomal recessive limb-girdle muscular dystrophy type 2J. Last evaluated: 2024-12-02. Review status: criteria provided, single submitter. Criteria: Invitae Variant Classification Sherloc (09022015). Collection method: clinical testing. Allele origin: germline.
Comment: This sequence change creates a premature translational stop signal (p.Glu15429*) in the TTN gene. While this is not anticipated to result in nonsense mediated decay, it is expected to create a truncated TTN protein. This variant is not present in population databases (gnomAD no frequency). This variant has not been reported in the literature in individuals affected with TTN-related conditions. ClinVar contains an entry for this variant (Variation ID: 655302). This variant is located in the I band of TTN (PMID: 25589632). Truncating variants in this region have been reported in individuals affected with autosomal recessive centronuclear myopathy (PMID: 23975875, internal data). Truncating variants in this region have also been identified in individuals affected with autosomal dominant dilated cardiomyopathy and/or cardio-related conditions (PMID: 27869827, 32964742, internal data). In summary, the currently available evidence indicates that the variant is pathogenic, but additional data are needed to prove that conclusively. Therefore, this variant has been classified as Likely Pathogenic.

Literature cited by the submitters: PubMed 25589632; PubMed 23975875; PubMed 27869827; PubMed 32964742.